The following is an entry in ClinVar:

ClinVar aggregate classification (germline): Uncertain significance. Review status: criteria provided, multiple submitters, no conflicts (2 of 4 stars). 2 submissions from 2 submitters: Uncertain significance (2). Last evaluated 2026-07-07.

Conditions:
Haddad syndrome (OHD). Also called: Ondine-Hirschsprung disease. Identifiers: Orphanet 99803, MedGen C1859049, MONDO:0020493.
Hereditary cancer-predisposing syndrome. Also called: Tumor predisposition; Hereditary Cancer Syndrome; Hereditary neoplastic syndrome; Neoplastic Syndromes, Hereditary. Identifiers: Orphanet 140162, MedGen C0027672, MeSH D009386, MONDO:0015356.

Submissions (2):

Ambry Genetics
Classification: Uncertain significance for Hereditary cancer-predisposing syndrome. Last evaluated: 2026-07-07. Review status: criteria provided, single submitter. Criteria: Ambry Variant Classification Scheme 2023. Collection method: clinical testing. Allele origin: germline.
Comment: The p.T104N variant (also known as c.311C>A), located in coding exon 2 of the PHOX2B gene, results from a C to A substitution at nucleotide position 311. The threonine at codon 104 is replaced by asparagine, an amino acid with similar properties. This amino acid position is conserved. In addition, the in silico prediction for this alteration is inconclusive. Based on the available evidence, the clinical significance of this variant remains unclear.

Labcorp Genetics (formerly Invitae), Labcorp
Classification: Uncertain significance for Haddad syndrome. Last evaluated: 2022-09-13. Review status: criteria provided, single submitter. Criteria: Invitae Variant Classification Sherloc (09022015). Collection method: clinical testing. Allele origin: germline.
Comment: This sequence change replaces threonine, which is neutral and polar, with asparagine, which is neutral and polar, at codon 104 of the PHOX2B protein (p.Thr104Asn). This variant is not present in population databases (gnomAD no frequency). This variant has not been reported in the literature in individuals affected with PHOX2B-related conditions. Advanced modeling of protein sequence and biophysical properties (such as structural, functional, and spatial information, amino acid conservation, physicochemical variation, residue mobility, and thermodynamic stability) performed at Invitae indicates that this missense variant is not expected to disrupt PHOX2B protein function. In summary, the available evidence is currently insufficient to determine the role of this variant in disease. Therefore, it has been classified as a Variant of Uncertain Significance.

NM_003924.4(PHOX2B):c.311C>A (p.Thr104Asn)

Gene: PHOX2B (paired like homeobox 2B; minus strand). Cytogenetic location: 4p13.
Variant type: single nucleotide variant.
Coding change: c.311C>A on transcript NM_003924.4 (MANE Select); coding-DNA position 311, C replaced by A.
Protein change: p.Thr104Asn; replaces threonine 104 with asparagine.
Molecular consequence: missense variant.
Genome position (GRCh38, 1-based): chr4:41,747,467, G>T on the plus strand (C>A on the coding strand, the complement: PHOX2B is on the minus strand). VCF-style: chr4-41747467-G-T. GRCh37 (hg19) VCF-style: chr4-41749484-G-T.
Other names: short protein forms T104N.
Identifiers: ClinVar variation 2099213 (VCV002099213.5), dbSNP rs988876214, ClinGen allele CA356740348.